The following is an entry in ClinVar:

NM_006015.6(ARID1A):c.5385G>T (p.Lys1795Asn)

Gene: ARID1A (AT-rich interaction domain 1A; plus strand). Cytogenetic location: 1p36.11.
Variant type: single nucleotide variant.
Coding change: c.5385G>T on transcript NM_006015.6 (MANE Select); coding-DNA position 5385, G replaced by T.
Protein change: p.Lys1795Asn; replaces lysine 1795 with asparagine.
Molecular consequence: missense variant.
Genome position (GRCh38, 1-based): chr1:26,779,283, G>T. VCF-style: chr1-26779283-G-T. GRCh37 (hg19) VCF-style: chr1-27105774-G-T.
Other names: c.4734G>T, p.Lys1578Asn (NM_139135.4); short protein forms K1578N, K1795N.
Identifiers: ClinVar variation 3614991 (VCV003614991.2).
Genomic context (GRCh38, chr1:26,779,283, plus strand): 5'-GGAAGAAGAAGAGGAAGTAGTTGAAAATGATGAGGAGATAGCCTTTTCAGGCAAGGACAA[G>T]CCAGCTTCAGAGAATAGTGAGGAGAAGCTGATCAGTAAGTTTGACAAGCTTCCAGTAAAG-3'
Protein context (NP_006006.3, residues 1785-1805): DEEIAFSGKD[Lys1795Asn]PASENSEEKL

ClinVar aggregate classification (germline): Uncertain significance (1 of 4 stars; one submission).

Submission:

Labcorp Genetics (formerly Invitae), Labcorp
Classification: Uncertain significance. Last evaluated: 2024-07-08. Review status: criteria provided, single submitter. Criteria: Invitae Variant Classification Sherloc (09022015). Collection method: clinical testing. Allele origin: germline.
Comment: This sequence change replaces lysine, which is basic and polar, with asparagine, which is neutral and polar, at codon 1795 of the ARID1A protein (p.Lys1795Asn). This variant is not present in population databases (gnomAD no frequency). This variant has not been reported in the literature in individuals affected with ARID1A-related conditions. Advanced modeling of protein sequence and biophysical properties (such as structural, functional, and spatial information, amino acid conservation, physicochemical variation, residue mobility, and thermodynamic stability) performed at Invitae indicates that this missense variant is not expected to disrupt ARID1A protein function with a negative predictive value of 80%. In summary, the available evidence is currently insufficient to determine the role of this variant in disease. Therefore, it has been classified as a Variant of Uncertain Significance.